The following is an entry in ClinVar:

NM_001458.5(FLNC):c.4288G>A (p.Gly1430Arg)

Gene: FLNC (filamin C; plus strand). Cytogenetic location: 7q32.1.
Variant type: single nucleotide variant.
Coding change: c.4288G>A on transcript NM_001458.5 (MANE Select); coding-DNA position 4288, G replaced by A.
Protein change: p.Gly1430Arg; replaces glycine 1430 with arginine.
Molecular consequence: missense variant.
Genome position (GRCh38, 1-based): chr7:128,846,905, G>A. VCF-style: chr7-128846905-G-A. GRCh37 (hg19) VCF-style: chr7-128486959-G-A.
Other names: c.4288G>A, p.Gly1430Arg (NM_001127487.2); short protein forms G1430R.
Identifiers: ClinVar variation 2946042 (VCV002946042.3), dbSNP rs2536643887, ClinGen allele CA369201000.

ClinVar aggregate classification (germline): Uncertain significance (1 of 4 stars; one submission).

Conditions:
Myofibrillar myopathy 5. Also called: Filaminopathy (type); FILAMINOPATHY, AUTOSOMAL DOMINANT. Identifiers: Orphanet 171445, MedGen C1836050, MONDO:0012289, OMIM 609524.
Hypertrophic cardiomyopathy 26. Also called: Cardiomyopathy, familial hypertrophic, 26. Identifiers: Orphanet 75249, MedGen C4310749, MONDO:0014883, OMIM 617047.
Distal myopathy with posterior leg and anterior hand involvement. Also called: WILLIAMS DISTAL MYOPATHY. Identifiers: Orphanet 63273, MedGen C3279722, MONDO:0013550, OMIM 614065.

Submission:

Labcorp Genetics (formerly Invitae), Labcorp
Classification: Uncertain significance for Distal myopathy with posterior leg and anterior hand involvement; Myofibrillar myopathy 5; Hypertrophic cardiomyopathy 26. Last evaluated: 2023-04-01. Review status: criteria provided, single submitter. Criteria: Invitae Variant Classification Sherloc (09022015). Collection method: clinical testing. Allele origin: germline.
Comment: This sequence change replaces glycine, which is neutral and non-polar, with arginine, which is basic and polar, at codon 1430 of the FLNC protein (p.Gly1430Arg). This variant also falls at the last nucleotide of exon 24, which is part of the consensus splice site for this exon. This variant is not present in population databases (gnomAD no frequency). This variant has not been reported in the literature in individuals affected with FLNC-related conditions. An algorithm developed to predict the effect of missense changes on protein structure and function (PolyPhen-2) suggests that this variant is likely to be disruptive. Variants that disrupt the consensus splice site are a relatively common cause of aberrant splicing (PMID: 17576681, 9536098). Algorithms developed to predict the effect of sequence changes on RNA splicing suggest that this variant may disrupt the consensus splice site. In summary, the available evidence is currently insufficient to determine the role of this variant in disease. Therefore, it has been classified as a Variant of Uncertain Significance.

Literature cited by the submitters: PubMed 17576681; PubMed 9536098.